The following is an entry in ClinVar:

ClinVar aggregate classification (germline): Benign/Likely benign. Review status: criteria provided, multiple submitters, no conflicts (2 of 4 stars). 8 submissions from 6 submitters: Benign (4); Likely benign (4). Last evaluated 2026-02-04.

Conditions:
Thrombophilia due to thrombin defect (THPH1). Also called: Thrombosis susceptibility; THROMBOPHILIA DUE TO FACTOR 2 DEFECT; Prothrombin-Related Thrombophilia (Factor II); Prothrombin Thrombophilia. Identifiers: MedGen C3160733, MONDO:0008559, OMIM 188050. Disease mechanism: gain of function, loss of function.
Congenital factor V deficiency. Also called: LABILE FACTOR DEFICIENCY; OWREN PARAHEMOPHILIA; PARAHEMOPHILIA; Hereditary factor V deficiency disease. Identifiers: Orphanet 326, MedGen C0015499, MONDO:0009210, OMIM 227400.
Budd-Chiari syndrome (BDCHS). Also called: Hepatic vein obstruction. Identifiers: Orphanet 131, MedGen C0856761, MONDO:0010947, OMIM 600880, HP:0002639.
Factor V deficiency. Also called: Reduced coagulation factor V activity. Identifiers: Orphanet 326, MedGen C4317320, MONDO:0020586, HP:0003225.

Allele frequency attached by ClinVar (database versions not stated): gnomAD exomes 0.06230; ExAC 0.06924; 1000 Genomes Project 0.12740; gnomAD 0.13270 and 0.14054; 1000 Genomes Project 30x 0.13570; TOPMed 0.14542; ESP Exome Variant Server 0.15203.

Submissions (8):

Labcorp Genetics (formerly Invitae), Labcorp
Classification: Benign for Congenital factor V deficiency. Last evaluated: 2026-02-04. Review status: criteria provided, single submitter. Criteria: Invitae Variant Classification Sherloc (09022015). Collection method: clinical testing. Allele origin: germline.

Mayo Clinic Laboratories, Mayo Clinic
Classification: Benign. Last evaluated: 2022-10-24. Review status: criteria provided, single submitter. Criteria: ACMG Guidelines, 2015. Collection method: clinical testing. Allele origin: germline. Observed: 34 variant alleles.
Comment: BA1, BS2, BP4

GeneDx
Classification: Benign. Last evaluated: 2021-05-04. Review status: criteria provided, single submitter. Criteria: GeneDx Variant Classification Process June 2021. Collection method: clinical testing. Allele origin: germline. Affected: yes.
Comment: This variant is associated with the following publications: (PMID: 23662219, 12651267, 19020903, 22044617)

Illumina Laboratory Services, Illumina
Classification: Likely benign for Budd-Chiari syndrome. Last evaluated: 2017-04-27. Review status: criteria provided, single submitter. Criteria: ICSL Variant Classification Criteria 13 December 2019. Collection method: clinical testing. Allele origin: germline.
Comment: This variant was observed as part of a predisposition screen in an ostensibly healthy population. A literature search was performed for the gene, cDNA change, and amino acid change (where applicable). No publications were found based on this search. Allele frequency data from public databases allowed determination this variant is unlikely to cause disease. Therefore, this variant is classified as likely benign.

Illumina Laboratory Services, Illumina
Classification: Likely benign for Congenital factor V deficiency. Last evaluated: 2017-04-27. Review status: criteria provided, single submitter. Criteria: ICSL Variant Classification Criteria 13 December 2019. Collection method: clinical testing. Allele origin: germline.
Comment: the same text as in the submission from Illumina Laboratory Services, Illumina above.

Illumina Laboratory Services, Illumina
Classification: Likely benign for Venous thrombosis. Last evaluated: 2017-04-27. Review status: criteria provided, single submitter. Criteria: ICSL Variant Classification Criteria 13 December 2019. Collection method: clinical testing. Allele origin: germline.
Comment: the same text as in the submission from Illumina Laboratory Services, Illumina above.

Breakthrough Genomics
Classification: Likely benign. Review status: criteria provided, single submitter. Criteria: ACMG Guidelines, 2015. Collection method: not provided. Allele origin: germline. Inheritance: Autosomal recessive inheritance. Affected: yes.

PreventionGenetics, part of Exact Sciences
Classification: Benign. Review status: criteria provided, single submitter. Criteria: ACMG Guidelines, 2015. Collection method: clinical testing. Allele origin: germline.

NM_000130.5(F5):c.319G>C (p.Asp107His)

Gene: F5 (coagulation factor V; minus strand). Cytogenetic location: 1q24.2.
Variant type: single nucleotide variant.
Coding change: c.319G>C on transcript NM_000130.5 (MANE Select); coding-DNA position 319, G replaced by C.
Protein change: p.Asp107His; replaces aspartic acid 107 with histidine.
Molecular consequence: missense variant.
Genome position (GRCh38, 1-based): chr1:169,572,275, C>G on the plus strand (G>C on the coding strand, the complement: F5 is on the minus strand). VCF-style: chr1-169572275-C-G. GRCh37 (hg19) VCF-style: chr1-169541513-C-G.
Other names: short protein forms D107H.
Identifiers: ClinVar variation 255203 (VCV000255203.13), dbSNP rs6019, ClinGen allele CA1234655.